The following is an entry in ClinVar:

ClinVar aggregate classification (germline): Conflicting classifications of pathogenicity. Review status: criteria provided, conflicting classifications (1 of 4 stars). 8 submissions from 8 submitters: Uncertain significance (1); Likely benign (6). 1 of the submissions does not count toward it. Last evaluated 2026-09-01.

Conditions:
ALDH18A1-related disorder. Also called: ALDH18A1-related disorders.
de Barsy syndrome. Also called: Cutis laxa-corneal clouding-oligophrenia syndrome. Identifiers: Orphanet 2962, MedGen C0268354, MONDO:0017569.
Autosomal dominant spastic paraplegia type 9. Identifiers: MedGen C1832669, MONDO:0015091.
Cutis laxa, autosomal dominant 3 (ADCL3). Identifiers: Orphanet 90348, MedGen C4225268, MONDO:0014706, OMIM 616603.
Hereditary spastic paraplegia. Also called: Familial spastic paraparesis. Identifiers: Orphanet 685, MedGen C0037773, MONDO:0019064. Disease mechanism: loss of function.
ALDH18A1-related de Barsy syndrome. Also called: DE BARSY SYNDROME A; Cutis laxa, autosomal recessive IIIA. Identifiers: Orphanet 2962, Orphanet 35664, MedGen C5234852, MONDO:0009053, OMIM 219150.

Allele frequency attached by ClinVar (database versions not stated): 1000 Genomes Project 30x 0.00016; 1000 Genomes Project 0.00020; TOPMed 0.00124; gnomAD 0.00153; ESP Exome Variant Server 0.00208.

Submissions (8):

CeGaT Center for Human Genetics Tuebingen
Classification: Likely benign. Last evaluated: 2026-09-01. Review status: criteria provided, single submitter. Criteria: CeGaT Center For Human Genetics Tuebingen Variant Classification Criteria Version 2. Collection method: clinical testing. Allele origin: germline. Affected: yes. Observed: 28 variant alleles.
Comment: ALDH18A1: BP4, BP7

Labcorp Genetics (formerly Invitae), Labcorp
Classification: Likely benign for Autosomal dominant spastic paraplegia type 9; de Barsy syndrome; Cutis laxa, autosomal dominant 3. Last evaluated: 2026-02-01. Review status: criteria provided, single submitter. Criteria: Invitae Variant Classification Sherloc (09022015). Collection method: clinical testing. Allele origin: germline.

Mayo Clinic Laboratories, Mayo Clinic
Classification: Likely benign. Last evaluated: 2025-06-27. Review status: criteria provided, single submitter. Criteria: ACMG Guidelines, 2015. Collection method: clinical testing. Allele origin: germline. Observed: 2 variant alleles.
Comment: BS1, BP4, BP7

Blueprint Genetics
Classification: Likely benign. Last evaluated: 2024-11-27. Review status: criteria provided, single submitter. Criteria: ACMG Guidelines, 2015. Collection method: clinical testing. Allele origin: germline.

GeneDx
Classification: Likely benign. Last evaluated: 2021-02-22. Review status: criteria provided, single submitter. Criteria: GeneDx Variant Classification Process June 2021. Collection method: clinical testing. Allele origin: germline. Affected: yes.

Genome Diagnostics Laboratory, The Hospital for Sick Children
Classification: Likely benign for Hereditary spastic paraplegia. Last evaluated: 2019-06-01. Review status: criteria provided, single submitter. Criteria: ACMG Guidelines, 2015. Collection method: clinical testing. Allele origin: germline. Affected: yes.

Illumina Laboratory Services, Illumina
Classification: Uncertain significance for ALDH18A1-related de Barsy syndrome. Last evaluated: 2018-01-12. Review status: criteria provided, single submitter. Criteria: ICSL Variant Classification Criteria 13 December 2019. Collection method: clinical testing. Allele origin: germline.

PreventionGenetics, part of Exact Sciences
Classification: Likely benign for ALDH18A1-related condition. Last evaluated: 2020-01-02. Review status: no assertion criteria provided. Collection method: clinical testing. Allele origin: germline. Not counted in ClinVar's aggregate classification.
Comment: This variant is classified as likely benign based on ACMG/AMP sequence variant interpretation guidelines (Richards et al. 2015 PMID: 25741868, with internal and published modifications).

NM_002860.4(ALDH18A1):c.2232G>A (p.Ser744=)

Gene: ALDH18A1 (aldehyde dehydrogenase 18 family member A1; minus strand). Cytogenetic location: 10q24.1.
Variant type: single nucleotide variant.
Coding change: c.2232G>A on transcript NM_002860.4 (MANE Select); coding-DNA position 2232, G replaced by A.
Protein change: p.Ser744=; no amino-acid change (serine 744 retained).
Molecular consequence: synonymous variant.
Genome position (GRCh38, 1-based): chr10:95,606,918, C>T on the plus strand (G>A on the coding strand, the complement: ALDH18A1 is on the minus strand). VCF-style: chr10-95606918-C-T. GRCh37 (hg19) VCF-style: chr10-97366675-C-T.
Other names: p.Ser744=; c.2226G>A, p.Ser742= (NM_001017423.2, NM_001323415.2); c.1899G>A, p.Ser633= (NM_001323412.2, NM_001323416.2); c.2232G>A, p.Ser744= (NM_001323413.2, NM_001323414.2); c.2127G>A, p.Ser709= (NM_001323417.2); c.1893G>A, p.Ser631= (NM_001323418.2); c.1596G>A, p.Ser532= (NM_001323419.2).
Identifiers: ClinVar variation 391463 (VCV000391463.62), dbSNP rs148601288, ClinGen allele CA5620100.